The following is an entry in ClinVar:

ClinVar aggregate classification (germline): Uncertain significance. Review status: criteria provided, multiple submitters, no conflicts (2 of 4 stars). 2 submissions from 2 submitters: Uncertain significance (2). Last evaluated 2021-09-02.

Allele frequency attached by ClinVar (database versions not stated): TOPMed 0.00002; gnomAD 0.00003; ESP Exome Variant Server 0.00015; ExAC 0.00002; gnomAD exomes 0.00002.
gnomAD v4.1: 48 of 1,604,284 alleles (0.003%); highest among the groups gnomAD compares: Non-Finnish European, 0.0035%; no homozygotes.

Submissions (2):

Labcorp Genetics (formerly Invitae), Labcorp
Classification: Uncertain significance. Last evaluated: 2021-09-02. Review status: criteria provided, single submitter. Criteria: Invitae Variant Classification Sherloc (09022015). Collection method: clinical testing. Allele origin: germline.
Comment: This sequence change replaces alanine with threonine at codon 213 of the RTN4IP1 protein (p.Ala213Thr). The alanine residue is moderately conserved and there is a small physicochemical difference between alanine and threonine. This variant is present in population databases (rs147381045, ExAC 0.005%). This variant has not been reported in the literature in individuals affected with RTN4IP1-related conditions. Algorithms developed to predict the effect of missense changes on protein structure and function are either unavailable or do not agree on the potential impact of this missense change (SIFT: "Deleterious"; PolyPhen-2: "Probably Damaging"; Align-GVGD: "Class C0"). In summary, the available evidence is currently insufficient to determine the role of this variant in disease. Therefore, it has been classified as a Variant of Uncertain Significance.

Blueprint Genetics
Classification: Uncertain significance. Last evaluated: 2021-03-05. Review status: criteria provided, single submitter. Criteria: ACMG Guidelines, 2015. Collection method: clinical testing. Allele origin: germline.

NM_032730.5(RTN4IP1):c.637G>A (p.Ala213Thr)

Gene: RTN4IP1 (reticulon 4 interacting protein 1; minus strand). Cytogenetic location: 6q21.
Variant type: single nucleotide variant.
Coding change: c.637G>A on transcript NM_032730.5 (MANE Select); coding-DNA position 637, G replaced by A.
Protein change: p.Ala213Thr; replaces alanine 213 with threonine.
Molecular consequence: missense variant.
Genome position (GRCh38, 1-based): chr6:106,602,906, C>T on the plus strand (G>A on the coding strand, the complement: RTN4IP1 is on the minus strand). VCF-style: chr6-106602906-C-T. GRCh37 (hg19) VCF-style: chr6-107050781-C-T.
Other names: c.337G>A, p.Ala113Thr (NM_001318746.1); short protein forms A113T, A213T.
Identifiers: ClinVar variation 954149 (VCV000954149.8), dbSNP rs147381045, ClinGen allele CA3944425.